The following is an entry in ClinVar:

ClinVar aggregate classification (germline): Conflicting classifications of pathogenicity. Review status: criteria provided, conflicting classifications (1 of 4 stars). 3 submissions from 3 submitters: Likely pathogenic (2); Uncertain significance (1). Last evaluated 2026-04-26.

Conditions:
Autosomal recessive limb-girdle muscular dystrophy type 2J (LGMDR10). Also called: Limb-girdle muscular dystrophy, type 2J; MUSCULAR DYSTROPHY, LIMB-GIRDLE, AUTOSOMAL RECESSIVE 10. Identifiers: Orphanet 140922, MedGen C1837342, MONDO:0012127, OMIM 608807.
Dilated cardiomyopathy 1G (CMD1G). Identifiers: Orphanet 154, MedGen C1858763, MONDO:0011400, OMIM 604145.
Cardiovascular phenotype. Identifiers: MedGen CN230736.

gnomAD v4.1: 4 of 1,612,206 alleles (0.00025%); highest among the groups gnomAD compares: Non-Finnish European, 0.00034%; no homozygotes.

Submissions (3):

GeneDx
Classification: Likely pathogenic. Last evaluated: 2026-04-26. Review status: criteria provided, single submitter. Criteria: GeneDx Variant Classification Process June 2021. Collection method: clinical testing. Allele origin: germline.
Comment: Canonical splice site variant predicted to result in an in-frame loss of the adjacent exon in a gene for which loss of function is a known mechanism of disease; Located in a specific region of the I-band within TTN for which truncating variants are significantly associated with autosomal dominant cardiomyopathy and also with autosomal recessive skeletal myopathies (PMID: 27625338, 27869827, 32778822); Has not been previously published as pathogenic or benign to our knowledge; Not observed at significant frequency in large population cohorts (gnomAD); This variant is associated with the following publications: (PMID: 27625338, 27869827, 32778822)

Ambry Genetics
Classification: Uncertain significance for Cardiovascular phenotype. Last evaluated: 2026-02-18. Review status: criteria provided, single submitter. Criteria: Ambry Variant Classification Scheme 2023. Collection method: clinical testing. Allele origin: germline.
Comment: The c.18700+1G>T intronic variant results from a G to T substitution one nucleotide after coding exon 74 of the TTN gene. This exon is located in the I-band region of the N2-B isoform of the titin protein and is constitutively expressed in TTN transcripts (percent spliced in or PSI 100%). This nucleotide position is highly conserved in available vertebrate species. In silico splice site analysis predicts that this alteration will weaken the native splice donor site and may result in the creation or strengthening of a novel splice donor site. This variant disrupts the canonical splice site and is expected to cause aberrant splicing. However, although direct evidence is unavailable, this variant is predicted to result in an in-frame transcript that is not expected to trigger nonsense-mediated mRNA decay. The exact functional effect of the predicted splice impact is unknown. Based on the available evidence, the clinical significance of this variant remains unclear.

Labcorp Genetics (formerly Invitae), Labcorp
Classification: Likely pathogenic for Dilated cardiomyopathy 1G; Autosomal recessive limb-girdle muscular dystrophy type 2J. Last evaluated: 2025-04-27. Review status: criteria provided, single submitter. Criteria: Invitae Variant Classification Sherloc (09022015). Collection method: clinical testing. Allele origin: germline.
Comment: This sequence change affects a donor splice site in intron 247 of the TTN gene. It is expected to disrupt RNA splicing and likely results in a truncated or disrupted TTN protein. This variant is present in population databases (rs727504589, gnomAD 0.0009%). This variant has not been reported in the literature in individuals affected with TTN-related conditions. ClinVar contains an entry for this variant (Variation ID: 1475724). Algorithms developed to predict the effect of sequence changes on RNA splicing suggest that this variant may disrupt the consensus splice site. This variant is located in the I band of TTN (PMID: 25589632). Truncating variants in this region have been reported in individuals affected with autosomal recessive centronuclear myopathy (PMID: 23975875, internal data). Truncating variants in this region have also been identified in individuals affected with autosomal dominant dilated cardiomyopathy and/or cardio-related conditions (PMID: 27869827, 32964742, internal data). In summary, the currently available evidence indicates that the variant is pathogenic, but additional data are needed to prove that conclusively. Therefore, this variant has been classified as Likely Pathogenic.

Literature cited by the submitters: PubMed 25589632 (cited by Labcorp Genetics (formerly Invitae), Labcorp); PubMed 23975875 (cited by Labcorp Genetics (formerly Invitae), Labcorp); PubMed 27869827 (cited by Labcorp Genetics (formerly Invitae), Labcorp); PubMed 32964742 (cited by Labcorp Genetics (formerly Invitae), Labcorp).

NM_001267550.2(TTN):c.45895+1G>T

Gene: TTN (titin; minus strand). Cytogenetic location: 2q31.2.
Variant type: single nucleotide variant.
Coding change: c.45895+1G>T on transcript NM_001267550.2 (MANE Select); the canonical splice donor site of the intron after coding-DNA position 45895, G replaced by T.
Molecular consequence: splice donor variant.
Genome position (GRCh38, 1-based): chr2:178,620,714, C>A on the plus strand (G>T on the coding strand, the complement: TTN is on the minus strand). VCF-style: chr2-178620714-C-A. GRCh37 (hg19) VCF-style: chr2-179485441-C-A.
Other names: c.18700+1G>T (NM_003319.4); c.19276+1G>T (NM_133437.4); c.19075+1G>T (NM_133432.3); c.38191+1G>T (NM_133378.4); c.40972+1G>T (NM_001256850.1).
Identifiers: ClinVar variation 1475724 (VCV001475724.10), dbSNP rs727504589, ClinGen allele CA1995354.